The following is an entry in ClinVar:

ClinVar aggregate classification (germline): Pathogenic. Review status: criteria provided, multiple submitters, no conflicts (2 of 4 stars). 3 submissions from 3 submitters: Pathogenic (2). 1 of the submissions does not count toward it. Last evaluated 2024-05-14.

Conditions:
RPE65-related recessive retinopathy. Also called: Recessive RPE65 retinopathy. Identifiers: MedGen CN305526, MONDO:0100368.
Leber congenital amaurosis 2 (LCA2). Also called: AMAUROSIS CONGENITA OF LEBER II; Autosomal Recessive RPE65-Related Retinal Degeneration. Identifiers: Orphanet 65, MedGen C1859844, MONDO:0008765, OMIM 204100. Disease mechanism: loss of function.

Allele frequency attached by ClinVar (database versions not stated): ExAC 0.00001; gnomAD exomes below 0.00001.

Submissions (3):

Myriad Genetics, Inc.
Classification: Pathogenic for RPE65-related recessive retinopathy. Last evaluated: 2024-05-14. Review status: criteria provided, single submitter. Criteria: Myriad Autosomal Dominant, Autosomal Recessive and X-Linked Classification Criteria (2023). Collection method: clinical testing. Allele origin: unknown.
Comment: NM_000329.2(RPE65):c.894delG(K298Nfs*27) is expected to be pathogenic in the context of inherited retinal dystrophy, RPE65-related. This variant is predicted to lead to an abnormal or absent protein product due to the creation of a premature termination codon in RPE65, a gene where loss-of-function variants are known to be pathogenic. Please note: this variant was assessed in the context of healthy population screening.

Baylor Genetics
Classification: Pathogenic for Leber congenital amaurosis 2. Last evaluated: 2023-07-29. Review status: criteria provided, single submitter. Criteria: ACMG Guidelines, 2015. Collection method: clinical testing. Allele origin: unknown.

Retina International
No classification provided. Review status: no classification provided. Collection method: not provided. Allele origin: not provided. Not counted in ClinVar's aggregate classification.

NM_000329.3(RPE65):c.894del (p.Lys298fs)

Gene: RPE65 (retinoid isomerohydrolase RPE65; minus strand). Cytogenetic location: 1p31.3.
Variant type: Deletion.
Coding change: c.894del on transcript NM_000329.3 (MANE Select); coding-DNA position 894, one base deleted (G; older notation c.894delG).
Protein change: p.Lys298fs; shifts the reading frame from lysine 298.
Molecular consequence: frameshift variant.
Genome position (GRCh38, 1-based): chr1:68,439,046, C deleted on the plus strand (G on the coding strand, the reverse complement: RPE65 is on the minus strand). VCF-style (leftmost placement, unchanged base first): chr1-68439045-AC-A. GRCh37 (hg19) VCF-style: chr1-68904728-AC-A.
Other names: short protein forms K298fs.
Identifiers: ClinVar variation 98897 (VCV000098897.3), dbSNP rs61752903, ClinGen allele CA226587.